The following is an entry in ClinVar:

NM_014956.5(CEP164):c.1298del (p.Leu433fs)

Gene: CEP164 (centrosomal protein 164; plus strand). Cytogenetic location: 11q23.3.
Variant type: Deletion.
Coding change: c.1298del on transcript NM_014956.5 (MANE Select); coding-DNA position 1298, one base deleted (T; older notation c.1298delT).
Protein change: p.Leu433fs; shifts the reading frame from leucine 433.
Molecular consequence: frameshift variant.
Genome position (GRCh38, 1-based): chr11:117,375,772, T deleted. VCF-style (leftmost placement, unchanged base first): chr11-117375771-CT-C. GRCh37 (hg19) VCF-style: chr11-117246487-CT-C.
Other names: c.1298del, p.Leu433fs (NM_001271933.2); short protein forms L433fs.
Identifiers: ClinVar variation 2160660 (VCV002160660.5), dbSNP rs2541384185, ClinGen allele CA2574990382.

ClinVar aggregate classification (germline): Pathogenic/Likely pathogenic. Review status: criteria provided, multiple submitters, no conflicts (2 of 4 stars). 2 submissions from 2 submitters: Pathogenic (1); Likely pathogenic (1). Last evaluated 2024-04-20.

Conditions:
Nephronophthisis 15 (NPHP15). Identifiers: Orphanet 3156, MedGen C3541853, MONDO:0013917, OMIM 614845.

Submissions (2):

Fulgent Genetics
Classification: Likely pathogenic for Nephronophthisis 15. Last evaluated: 2024-04-20. Review status: criteria provided, single submitter. Criteria: ACMG Guidelines, 2015. Collection method: clinical testing. Allele origin: germline.

Labcorp Genetics (formerly Invitae), Labcorp
Classification: Pathogenic for Nephronophthisis 15. Last evaluated: 2022-09-19. Review status: criteria provided, single submitter. Criteria: Invitae Variant Classification Sherloc (09022015). Collection method: clinical testing. Allele origin: germline.
Comment: For these reasons, this variant has been classified as Pathogenic. This variant has not been reported in the literature in individuals affected with CEP164-related conditions. This variant is not present in population databases (gnomAD no frequency). This sequence change creates a premature translational stop signal (p.Leu433Argfs*14) in the CEP164 gene. It is expected to result in an absent or disrupted protein product. Loss-of-function variants in CEP164 are known to be pathogenic (PMID: 22863007, 28125082, 32367404, 34132027, 34499853).

Literature cited by the submitters: PubMed 22863007 (cited by Labcorp Genetics (formerly Invitae), Labcorp); PubMed 28125082 (cited by Labcorp Genetics (formerly Invitae), Labcorp); PubMed 32367404 (cited by Labcorp Genetics (formerly Invitae), Labcorp); PubMed 34132027 (cited by Labcorp Genetics (formerly Invitae), Labcorp); PubMed 34499853 (cited by Labcorp Genetics (formerly Invitae), Labcorp).